The following is an entry in ClinVar:

ClinVar aggregate classification (germline): Pathogenic (1 of 4 stars; one submission).

Conditions:
Early-infantile DEE. Also called: Early infantile epileptic encephalopathy; Ohtahara syndrome; Early infantile epileptic encephalopathy with suppression bursts. Identifiers: Orphanet 1934, MedGen C0393706, MONDO:0800491.

Submission:

Labcorp Genetics (formerly Invitae), Labcorp
Classification: Pathogenic for Early-infantile DEE. Last evaluated: 2023-07-14. Review status: criteria provided, single submitter. Criteria: Invitae Variant Classification Sherloc (09022015). Collection method: clinical testing. Allele origin: germline.
Comment: For these reasons, this variant has been classified as Pathogenic. This variant disrupts a region of the SCN1A protein in which other variant(s) (p.Leu61Phe) have been determined to be pathogenic (PMID: 18930999, 28074849). This suggests that this is a clinically significant region of the protein, and that variants that disrupt it are likely to be disease-causing. ClinVar contains an entry for this variant (Variation ID: 461244). This variant has been observed in individual(s) with epilepsy (Invitae). In at least one individual the variant was observed to be de novo. This variant is not present in population databases (gnomAD no frequency). This variant, c.172_183del, results in the deletion of 4 amino acid(s) of the SCN1A protein (p.Gly58_Leu61del), but otherwise preserves the integrity of the reading frame.

Literature cited by the submitters: PubMed 18930999; PubMed 28074849.

NM_001165963.4(SCN1A):c.172_183del (p.Gly58_Leu61del)

Gene: SCN1A (sodium voltage-gated channel alpha subunit 1; minus strand). Cytogenetic location: 2q24.3.
Variant type: Deletion.
Coding change: c.172_183del on transcript NM_001165963.4 (MANE Select); coding-DNA positions 172 to 183, 12 bases deleted (GGAAAGAACCTT).
Protein change: p.Gly58_Leu61del.
Molecular consequence: inframe deletion. On other transcripts: 5 prime UTR variant (1), non-coding transcript variant (1).
Genome position (GRCh38, 1-based): chr2:166,073,439-166,073,450, AAGGTTCTTTCC deleted on the plus strand (GGAAAGAACCTT on the coding strand, the reverse complement: SCN1A is on the minus strand); deleting any 12 consecutive bases within chr2:166,073,439-166,073,451 gives the same sequence; the c. name uses the placement nearest the transcript's 3' end. VCF-style (leftmost placement, unchanged base first): chr2-166073438-GAAGGTTCTTTCC-G. GRCh37 (hg19) VCF-style: chr2-166929948-GAAGGTTCTTTCC-G.
Other names: c.172_183del, p.Gly58_Leu61del (NM_001165964.3, NM_001202435.3, NM_001353948.2 and 10 more transcripts); c.-2254_-2243del (NM_001353961.2).
Identifiers: ClinVar variation 461244 (VCV000461244.9), dbSNP rs1553560760, ClinGen allele CA658657102.
Genomic context (GRCh38, chr2:166,073,438, plus strand): 5'-GGTCCAGGTCCTCCAGGGGCTCTGACACCATCTCTGGAGGAATGTCTCCATAAATAAATG[GAAGGTTCTTTCC>G]AGCTTCCAAGTCACTATTTGGCTTTGGGCCATTTTCGTCGTCATCTTTTTTGTCTGGTTT-3'